The following is an entry in ClinVar:

ClinVar aggregate classification (germline): Uncertain significance (1 of 4 stars; one submission).

Allele frequency attached by ClinVar (database versions not stated): ExAC 0.00002; gnomAD 0.00002; gnomAD exomes 0.00003; TOPMed 0.00003.
gnomAD v4.1: 41 of 1,614,000 alleles (0.0025%); highest among the groups gnomAD compares: Middle Eastern, 0.13%; no homozygotes.

Submission:

Labcorp Genetics (formerly Invitae), Labcorp
Classification: Uncertain significance. Last evaluated: 2024-10-29. Review status: criteria provided, single submitter. Criteria: Invitae Variant Classification Sherloc (09022015). Collection method: clinical testing. Allele origin: germline.
Comment: This sequence change replaces threonine, which is neutral and polar, with methionine, which is neutral and non-polar, at codon 2333 of the HERC1 protein (p.Thr2333Met). This variant is present in population databases (rs755359353, gnomAD 0.01%). This variant has not been reported in the literature in individuals affected with HERC1-related conditions. ClinVar contains an entry for this variant (Variation ID: 2176715). Invitae Evidence Modeling of protein sequence and biophysical properties (such as structural, functional, and spatial information, amino acid conservation, physicochemical variation, residue mobility, and thermodynamic stability) indicates that this missense variant is not expected to disrupt HERC1 protein function with a negative predictive value of 80%. In summary, the available evidence is currently insufficient to determine the role of this variant in disease. Therefore, it has been classified as a Variant of Uncertain Significance.

NM_003922.4(HERC1):c.6998C>T (p.Thr2333Met)

Gene: HERC1 (HECT and RLD domain containing E3 ubiquitin protein ligase family member 1; minus strand). Cytogenetic location: 15q22.31.
Variant type: single nucleotide variant.
Coding change: c.6998C>T on transcript NM_003922.4 (MANE Select); coding-DNA position 6998, C replaced by T.
Protein change: p.Thr2333Met; replaces threonine 2333 with methionine.
Molecular consequence: missense variant.
Genome position (GRCh38, 1-based): chr15:63,677,917, G>A on the plus strand (C>T on the coding strand, the complement: HERC1 is on the minus strand). VCF-style: chr15-63677917-G-A. GRCh37 (hg19) VCF-style: chr15-63970116-G-A.
Other names: short protein forms T2333M.
Identifiers: ClinVar variation 2176715 (VCV002176715.2), dbSNP rs755359353, ClinGen allele CA7605246.